The following is an entry in ClinVar:

ClinVar aggregate classification (germline): Uncertain significance (1 of 4 stars; one submission).

Allele frequency attached by ClinVar (database versions not stated): ExAC 0.00001; TOPMed 0.00001; gnomAD 0.00002.
gnomAD v4.1: 3 of 1,613,738 alleles (0.00019%); highest among the groups gnomAD compares: Non-Finnish European, 0.00025%; no homozygotes.

Submission:

Ambry Genetics
Classification: Uncertain significance. Last evaluated: 2023-03-25. Review status: criteria provided, single submitter. Criteria: Ambry Variant Classification Scheme 2023. Collection method: clinical testing. Allele origin: germline.
Comment: The p.H1800L variant (also known as c.5399A>T), located in coding exon 5 of the ALPK2 gene, results from an A to T substitution at nucleotide position 5399. The histidine at codon 1800 is replaced by leucine, an amino acid with similar properties. This amino acid position is conserved. In addition, this alteration is predicted to be tolerated by in silico analysis. Since supporting evidence is limited at this time, the clinical significance of this alteration remains unclear.

NM_052947.4(ALPK2):c.5399A>T (p.His1800Leu)

Gene: ALPK2 (alpha kinase 2; minus strand). Cytogenetic location: 18q21.31.
Variant type: single nucleotide variant.
Coding change: c.5399A>T on transcript NM_052947.4 (MANE Select); coding-DNA position 5399, A replaced by T.
Protein change: p.His1800Leu; replaces histidine 1800 with leucine.
Molecular consequence: missense variant.
Genome position (GRCh38, 1-based): chr18:58,529,193, T>A on the plus strand (A>T on the coding strand, the complement: ALPK2 is on the minus strand). VCF-style: chr18-58529193-T-A. GRCh37 (hg19) VCF-style: chr18-56196425-T-A.
Other names: short protein forms H1800L.
Identifiers: ClinVar variation 2561807 (VCV002561807.2), dbSNP rs780203171, ClinGen allele CA8976515.